The following is an entry in ClinVar:

ClinVar aggregate classification (germline): Pathogenic/Likely pathogenic. Review status: criteria provided, multiple submitters, no conflicts (2 of 4 stars). 2 submissions from 2 submitters: Pathogenic (1); Likely pathogenic (1). Last evaluated 2025-03-12.

Conditions:
Nemaline myopathy 2 (NEM2). Also called: Nemaline myopathy 2, autosomal recessive. Identifiers: MedGen C1850569, MONDO:0009725, OMIM 256030.
Nemaline myopathy. Also called: Myopathies, Nemaline. Identifiers: Orphanet 607, MedGen C0206157, MONDO:0018958.

Allele frequency attached by ClinVar (database versions not stated): gnomAD exomes 0.00001.
gnomAD v4.1: 6 of 1,613,410 alleles (0.00037%); highest among the groups gnomAD compares: Non-Finnish European, 0.00051%; no homozygotes.

Submissions (2):

Broad Center for Mendelian Genomics, Broad Institute of MIT and Harvard
Classification: Likely pathogenic for Nemaline myopathy. Last evaluated: 2025-03-12. Review status: criteria provided, single submitter. Criteria: ACMG Guidelines, 2015. Collection method: curation. Allele origin: germline. Inheritance: Autosomal recessive inheritance.
Comment: The p.Tyr3870Ter variant in NEB has been reported in two individuals with nemaline myopathy (PMID: 25205138, 33060286), and has been identified in 0.0005% (6/1179512) of European (non-Finnish) chromosomes by the Genome Aggregation Database (gnomAD; dbSNP ID: rs2098013896). Although this variant has been seen in the general population in a heterozygous state, its frequency is low enough to be consistent with a recessive carrier frequency. This variant has also been reported in ClinVar (Variation ID: 1445213) and has been interpreted as pathogenic by Labcorp Genetics. This nonsense variant leads to a premature termination codon at position 3870, which is predicted to lead to a truncated or absent protein. Loss of function of the NEB gene is an established disease mechanism in autosomal recessive nemaline myopathy. In summary, although additional studies are required to fully establish its clinical significance, this variant is likely pathogenic for autosomal recessive nemaline myopathy. ACMG/AMP Criteria applied: PVS1, PM2_supporting (Richards 2015).

Labcorp Genetics (formerly Invitae), Labcorp
Classification: Pathogenic for Nemaline myopathy 2. Last evaluated: 2021-07-08. Review status: criteria provided, single submitter. Criteria: Invitae Variant Classification Sherloc (09022015). Collection method: clinical testing. Allele origin: germline.
Comment: For these reasons, this variant has been classified as Pathogenic. This premature translational stop signal has been observed in individual(s) with clinical features of NEB-related conditions (PMID: 25205138). This variant is not present in population databases (ExAC no frequency). This sequence change creates a premature translational stop signal (p.Tyr3870*) in the NEB gene. It is expected to result in an absent or disrupted protein product. Loss-of-function variants in NEB are known to be pathogenic (PMID: 25205138).

Literature cited by the submitters: PubMed 25205138 (cited by Labcorp Genetics (formerly Invitae), Labcorp).

NM_001164508.2(NEB):c.11610C>A (p.Tyr3870Ter)

Gene: NEB (nebulin; minus strand). Cytogenetic location: 2q23.3.
Variant type: single nucleotide variant.
Coding change: c.11610C>A on transcript NM_001164508.2 (MANE Select); coding-DNA position 11610, C replaced by A.
Protein change: p.Tyr3870Ter; replaces tyrosine 3870 with a stop codon.
Molecular consequence: nonsense.
Genome position (GRCh38, 1-based): chr2:151,612,381, G>T on the plus strand (C>A on the coding strand, the complement: NEB is on the minus strand). VCF-style: chr2-151612381-G-T. GRCh37 (hg19) VCF-style: chr2-152468895-G-T.
Other names: NM_001164508.2(NEB):c.11610C>A; p.Tyr3870Ter; c.11610C>A, p.Tyr3870Ter (NM_001164507.2, NM_001271208.2); c.10881C>A, p.Tyr3627Ter (NM_004543.5); short protein forms Y3870*, Y3627*.
Identifiers: ClinVar variation 1445213 (VCV001445213.7), dbSNP rs2098013896, ClinGen allele CA348780838.